The following is an entry in ClinVar:

ClinVar aggregate classification (germline): Uncertain significance. Review status: criteria provided, multiple submitters, no conflicts (2 of 4 stars). 4 submissions from 4 submitters: Uncertain significance (4). Last evaluated 2025-11-19.

Conditions:
Inborn genetic diseases. Identifiers: MedGen C0950123, MeSH D030342.
Epilepsy, idiopathic generalized, susceptibility to, 11 (EIG11). Identifiers: Orphanet 307, MedGen C2750893, MONDO:0011875, OMIM 607628.
Leukoencephalopathy with mild cerebellar ataxia and white matter edema (LKPAT). Also called: CLCN2-Related Leukoencephalopathy; Leukoencephalopathy with ataxia; Leukoencephalopathy with white matter edema; Brain white matter edema. Identifiers: Orphanet 363540, MedGen C4554120, MONDO:0014292, OMIM 615651. Disease mechanism: loss of function.
Familial hyperaldosteronism type II. Also called: FH II. Identifiers: Orphanet 404, MedGen C1854107, MONDO:0011576, OMIM 605635.

Allele frequency attached by ClinVar (database versions not stated): TOPMed 0.00004; gnomAD exomes 0.00005; ExAC 0.00006; gnomAD 0.00006.
gnomAD v4.1: 88 of 1,613,034 alleles (0.0055%); highest among the groups gnomAD compares: African/African-American, 0.0027%; no homozygotes.

Submissions (4):

Women's Health and Genetics/Laboratory Corporation of America, LabCorp
Classification: Uncertain significance. Last evaluated: 2025-11-19. Review status: criteria provided, single submitter. Criteria: LabCorp Variant Classification Summary - May 2015. Collection method: clinical testing. Allele origin: germline.
Comment: Variant summary: CLCN2 c.2149G>A (p.Ala717Thr) results in a non-conservative amino acid change in the encoded protein sequence. Algorithms developed to predict the effect of missense changes on protein structure and function are either unavailable or do not agree on the potential impact of this missense change. The variant allele was found at a frequency of 7.6e-05 in 249708 control chromosomes. This frequency is not significantly higher than estimated for disease-causing variants in CLCN2, allowing no conclusion about variant significance. To our knowledge, no occurrence of c.2149G>A in individuals affected with CLCN2-related conditions and no experimental evidence demonstrating its impact on protein function have been reported. ClinVar contains an entry for this variant (Variation ID: 2402345). Based on the evidence outlined above, the variant was classified as uncertain significance.

Fulgent Genetics
Classification: Uncertain significance for Familial hyperaldosteronism type II; Epilepsy, idiopathic generalized, susceptibility to, 11; Leukoencephalopathy with mild cerebellar ataxia and white matter edema. Last evaluated: 2024-05-30. Review status: criteria provided, single submitter. Criteria: ACMG Guidelines, 2015. Collection method: clinical testing. Allele origin: germline.

Labcorp Genetics (formerly Invitae), Labcorp
Classification: Uncertain significance. Last evaluated: 2023-05-28. Review status: criteria provided, single submitter. Criteria: Invitae Variant Classification Sherloc (09022015). Collection method: clinical testing. Allele origin: germline.
Comment: In summary, the available evidence is currently insufficient to determine the role of this variant in disease. Therefore, it has been classified as a Variant of Uncertain Significance. Advanced modeling of protein sequence and biophysical properties (such as structural, functional, and spatial information, amino acid conservation, physicochemical variation, residue mobility, and thermodynamic stability) performed at Invitae indicates that this missense variant is not expected to disrupt CLCN2 protein function. This sequence change replaces alanine, which is neutral and non-polar, with threonine, which is neutral and polar, at codon 717 of the CLCN2 protein (p.Ala717Thr). This variant is present in population databases (rs748730913, gnomAD 0.2%). This variant has not been reported in the literature in individuals affected with CLCN2-related conditions. ClinVar contains an entry for this variant (Variation ID: 2402345).

Ambry Genetics
Classification: Uncertain significance for Inborn genetic diseases. Last evaluated: 2022-12-19. Review status: criteria provided, single submitter. Criteria: Ambry Variant Classification Scheme 2023. Collection method: clinical testing. Allele origin: germline.

NM_004366.6(CLCN2):c.2149G>A (p.Ala717Thr)

Gene: CLCN2 (chloride voltage-gated channel 2; minus strand). Cytogenetic location: 3q27.1.
Variant type: single nucleotide variant.
Coding change: c.2149G>A on transcript NM_004366.6 (MANE Select); coding-DNA position 2149, G replaced by A.
Protein change: p.Ala717Thr; replaces alanine 717 with threonine.
Molecular consequence: missense variant.
Genome position (GRCh38, 1-based): chr3:184,352,805, C>T on the plus strand (G>A on the coding strand, the complement: CLCN2 is on the minus strand). VCF-style: chr3-184352805-C-T. GRCh37 (hg19) VCF-style: chr3-184070593-C-T.
Other names: c.2098G>A, p.Ala700Thr (NM_001171087.3); c.2017G>A, p.Ala673Thr (NM_001171088.3); c.2149G>A, p.Ala717Thr (NM_001171089.3); short protein forms A717T, A673T, A700T.
Identifiers: ClinVar variation 2402345 (VCV002402345.7), dbSNP rs748730913, ClinGen allele CA2733822.
Genomic context (GRCh38, chr3:184,352,805, plus strand): 5'-CAGCCTCAGGGGGTGGACTGCCACAGAAGAGGCTCCGGAGGGCGATGCCTGCCGACTCTG[C>T]GCTCCCTGTGTTCCCAAACATAAGGCCCCAGGGGGCAATGTCATCTTTTGGGGAGAGGAC-3'
Protein context (NP_004357.3, residues 707-727): RNLGESPTGS[Ala717Thr]ESAGIALRSL